The following is an entry in ClinVar:

ClinVar aggregate classification (germline): Uncertain significance (1 of 4 stars; one submission).

Conditions:
Tuberous sclerosis 1 (TSC1). Identifiers: Orphanet 805, MedGen C1854465, MONDO:0008612, OMIM 191100.

Submission:

Labcorp Genetics (formerly Invitae), Labcorp
Classification: Uncertain significance for Tuberous sclerosis 1. Last evaluated: 2024-02-03. Review status: criteria provided, single submitter. Criteria: Invitae Variant Classification Sherloc (09022015). Collection method: clinical testing. Allele origin: germline.
Comment: This sequence change replaces methionine, which is neutral and non-polar, with isoleucine, which is neutral and non-polar, at codon 1109 of the TSC1 protein (p.Met1109Ile). This variant is not present in population databases (gnomAD no frequency). This variant has not been reported in the literature in individuals affected with TSC1-related conditions. Advanced modeling of protein sequence and biophysical properties (such as structural, functional, and spatial information, amino acid conservation, physicochemical variation, residue mobility, and thermodynamic stability) performed at Invitae indicates that this missense variant is not expected to disrupt TSC1 protein function with a negative predictive value of 95%. In summary, the available evidence is currently insufficient to determine the role of this variant in disease. Therefore, it has been classified as a Variant of Uncertain Significance.

NM_000368.5(TSC1):c.3327G>C (p.Met1109Ile)

Gene: TSC1 (TSC complex subunit 1; minus strand). Cytogenetic location: 9q34.13.
Variant type: single nucleotide variant.
Coding change: c.3327G>C on transcript NM_000368.5 (MANE Select); coding-DNA position 3327, G replaced by C.
Protein change: p.Met1109Ile; replaces methionine 1109 with isoleucine.
Molecular consequence: missense variant. On other transcripts: non-coding transcript variant (5).
Genome position (GRCh38, 1-based): chr9:132,896,403, C>G on the plus strand (G>C on the coding strand, the complement: TSC1 is on the minus strand). VCF-style: chr9-132896403-C-G. GRCh37 (hg19) VCF-style: chr9-135771790-C-G.
Other names: c.3324G>C, p.Met1108Ile (NM_001162426.2, NM_001406597.1, NM_001406598.1 and 2 more transcripts); c.3174G>C, p.Met1058Ile (NM_001162427.2, NM_001406610.1); c.2964G>C, p.Met988Ile (NM_001362177.2, NM_001406614.1, NM_001406615.1 and 4 more transcripts); c.3327G>C, p.Met1109Ile (NM_001406592.1, NM_001406593.1, NM_001406594.1 and 2 more transcripts); c.3312G>C, p.Met1104Ile (NM_001406601.1, NM_001406602.1); c.3309G>C, p.Met1103Ile (NM_001406603.1, NM_001406604.1); c.3285G>C, p.Met1095Ile (NM_001406605.1, NM_001406606.1, NM_001406607.1); c.3282G>C, p.Met1094Ile (NM_001406608.1, NM_001406609.1); and 8 more; short protein forms M1043I, M1057I, M1058I, M1094I, M1095I, M1103I, M1104I, M1108I.
Identifiers: ClinVar variation 3626720 (VCV003626720.2).